The following is an entry in ClinVar:

NM_015466.4(PTPN23):c.368C>T (p.Ala123Val)

Gene: PTPN23 (protein tyrosine phosphatase non-receptor type 23; plus strand). Cytogenetic location: 3p21.31.
Variant type: single nucleotide variant.
Coding change: c.368C>T on transcript NM_015466.4 (MANE Select); coding-DNA position 368, C replaced by T.
Protein change: p.Ala123Val; replaces alanine 123 with valine.
Molecular consequence: missense variant. On other transcripts: 5 prime UTR variant (1).
Genome position (GRCh38, 1-based): chr3:47,405,752, C>T. VCF-style: chr3-47405752-C-T. GRCh37 (hg19) VCF-style: chr3-47447242-C-T.
Other names: c.-11C>T (NM_001304482.2); short protein forms A123V.
Identifiers: ClinVar variation 1932433 (VCV001932433.3), dbSNP rs548310469, ClinGen allele CA2365301.

ClinVar aggregate classification (germline): Uncertain significance. Review status: criteria provided, multiple submitters, no conflicts (2 of 4 stars). 2 submissions from 2 submitters: Uncertain significance (2). Last evaluated 2022-05-21.

Allele frequency attached by ClinVar (database versions not stated): gnomAD 0.00001; ExAC 0.00004.
gnomAD v4.1: 10 of 1,599,196 alleles (0.00063%); highest among the groups gnomAD compares: Admixed American, 0.007%; no homozygotes.

Submissions (2):

Labcorp Genetics (formerly Invitae), Labcorp
Classification: Uncertain significance. Last evaluated: 2022-05-21. Review status: criteria provided, single submitter. Criteria: Invitae Variant Classification Sherloc (09022015). Collection method: clinical testing. Allele origin: germline.
Comment: This sequence change replaces alanine, which is neutral and non-polar, with valine, which is neutral and non-polar, at codon 123 of the PTPN23 protein (p.Ala123Val). This variant is present in population databases (rs548310469, gnomAD 0.01%). This variant has not been reported in the literature in individuals affected with PTPN23-related conditions. Algorithms developed to predict the effect of missense changes on protein structure and function are either unavailable or do not agree on the potential impact of this missense change (SIFT: "Deleterious"; PolyPhen-2: "Not Available"; Align-GVGD: "Class C0"). In summary, the available evidence is currently insufficient to determine the role of this variant in disease. Therefore, it has been classified as a Variant of Uncertain Significance.

Blueprint Genetics
Classification: Uncertain significance. Last evaluated: 2020-10-29. Review status: criteria provided, single submitter. Criteria: ACMG Guidelines, 2015. Collection method: clinical testing. Allele origin: germline.